The following is an entry in ClinVar:

ClinVar aggregate classification (germline): Likely benign (1 of 4 stars; one submission).

Conditions:
Heterotaxy, visceral, 4, autosomal (HTX4). Identifiers: Orphanet 450, MedGen C3151057, MONDO:0013403, OMIM 613751.

Allele frequency attached by ClinVar (database versions not stated): 1000 Genomes Project 0.00180; 1000 Genomes Project 30x 0.00187; gnomAD 0.00198; TOPMed 0.00264.

Submission:

Illumina Laboratory Services, Illumina
Classification: Likely benign for Heterotaxy, visceral, 4, autosomal. Last evaluated: 2018-01-13. Review status: criteria provided, single submitter. Criteria: ICSL Variant Classification Criteria 13 December 2019. Collection method: clinical testing. Allele origin: germline.
Comment: This variant was observed in the ICSL laboratory as part of a predisposition screen in an ostensibly healthy population. It had not been previously curated by ICSL or reported in the Human Gene Mutation Database (HGMD: prior to June 1st, 2018), and was therefore a candidate for classification through an automated scoring system. Utilizing variant allele frequency, disease prevalence and penetrance estimates, and inheritance mode, an automated score was calculated to assess if this variant is too frequent to cause the disease. Based on the score and internal cut-off values, a variant classified as likely benign is not then subjected to further curation. The score for this variant resulted in a classification of likely benign for this disease.

NM_001106.4(ACVR2B):c.*2025G>C

Gene: ACVR2B (activin A receptor type 2B; plus strand). Cytogenetic location: 3p22.2.
Variant type: single nucleotide variant.
Coding change: c.*2025G>C on transcript NM_001106.4 (MANE Select); 2025 bases downstream of the stop codon, G replaced by C.
Molecular consequence: 3 prime UTR variant.
Genome position (GRCh38, 1-based): chr3:38,485,357, G>C. VCF-style: chr3-38485357-G-C. GRCh37 (hg19) VCF-style: chr3-38526848-G-C.
Identifiers: ClinVar variation 344954 (VCV000344954.5), dbSNP rs141130205, ClinGen allele CA10615737.